The following is an entry in ClinVar:

ClinVar aggregate classification (germline): Conflicting classifications of pathogenicity. Review status: criteria provided, conflicting classifications (1 of 4 stars). 2 submissions from 2 submitters: Pathogenic (1); Uncertain significance (1). Last evaluated 2023-01-12.

Conditions:
Familial hemiplegic migraine. Identifiers: MedGen C0338484, MONDO:0000700.

gnomAD v4.1: 8 of 1,613,938 alleles (0.0005%); highest among the groups gnomAD compares: Non-Finnish European, 0.00068%; no homozygotes.

Submissions (2):

GeneDx
Classification: Uncertain significance. Last evaluated: 2023-01-12. Review status: criteria provided, single submitter. Criteria: GeneDx Variant Classification Process June 2021. Collection method: clinical testing. Allele origin: germline. Affected: yes.
Comment: Not observed at significant frequency in large population cohorts (gnomAD); In silico analysis supports that this missense variant has a deleterious effect on protein structure/function; Published functional studies demonstrate conflicting evidence of the effect of this variant (Pisano et al., 2013); This variant is associated with the following publications: (PMID: 33839563, 30842972, 27818813, 23838748, 28479855, 30258939, 26081103, 27445835)

Labcorp Genetics (formerly Invitae), Labcorp
Classification: Pathogenic for Familial hemiplegic migraine. Last evaluated: 2022-06-08. Review status: criteria provided, single submitter. Criteria: Invitae Variant Classification Sherloc (09022015). Collection method: clinical testing. Allele origin: germline.
Comment: This missense change has been observed in individual(s) with autosomal dominant familial hemiplegic migraine (PMID: 23838748). It has also been observed to segregate with disease in related individuals. Advanced modeling of protein sequence and biophysical properties (such as structural, functional, and spatial information, amino acid conservation, physicochemical variation, residue mobility, and thermodynamic stability) performed at Invitae indicates that this missense variant is expected to disrupt ATP1A2 protein function. Experimental studies have shown that this missense change affects ATP1A2 function (PMID: 23838748). For these reasons, this variant has been classified as Pathogenic. This variant is present in population databases (no rsID available, gnomAD 0.0009%). This sequence change replaces arginine, which is basic and polar, with tryptophan, which is neutral and slightly polar, at codon 1007 of the ATP1A2 protein (p.Arg1007Trp).

Literature cited by the submitters: PubMed 23838748 (cited by Labcorp Genetics (formerly Invitae), Labcorp).

NM_000702.4(ATP1A2):c.3019C>T (p.Arg1007Trp)

Gene: ATP1A2 (ATPase Na+/K+ transporting subunit alpha 2; plus strand). Cytogenetic location: 1q23.2.
Variant type: single nucleotide variant.
Coding change: c.3019C>T on transcript NM_000702.4 (MANE Select); coding-DNA position 3019, C replaced by T.
Protein change: p.Arg1007Trp; replaces arginine 1007 with tryptophan.
Molecular consequence: missense variant.
Genome position (GRCh38, 1-based): chr1:160,139,969, C>T. VCF-style: chr1-160139969-C-T. GRCh37 (hg19) VCF-style: chr1-160109759-C-T.
Other names: short protein forms R1007W.
Identifiers: ClinVar variation 2202869 (VCV002202869.5), dbSNP rs746795369, ClinGen allele CA343256663.